The following is an entry in ClinVar:

GRCh37/hg19 21q22.3(chr21:45808650-47529568)x1

Genes: ADARB1 (adenosine deaminase RNA specific B1; plus strand), COL18A1 (collagen type XVIII alpha 1 chain; plus strand), COL6A1 (collagen type VI alpha 1 chain; plus strand), COL6A2 (collagen type VI alpha 2 chain; plus strand), ITGB2 (integrin subunit beta 2; minus strand) and 29 more. Cytogenetic location: 21q22.3.
Variant type: copy number loss.
Change: copy number 1 (one copy instead of two) of chr21:45,808,650-47,529,568 (1.72 Mb, GRCh37 coordinates, 1-based), cytogenetic band 21q22.3.
Identifiers: ClinVar variation 1710511 (VCV001710511.3).

ClinVar aggregate classification (germline): Pathogenic (1 of 4 stars; one submission).

Submission:

Illumina Laboratory Services, Illumina
Classification: Pathogenic. Last evaluated: 2021-12-06. Review status: criteria provided, single submitter. Criteria: ICSL CNVClassificationCriteria Aug2020. Collection method: clinical testing. Allele origin: unknown.
Comment: This CNV is a 1.7 Mb deletion 21q22.3 on chromosome 21, (seq[GRCh37]del(21)(21q22.3); chr21:g.45808650_47529568del), found in a de novo state. This CNV constitutes a loss encompassing 34 protein coding genes including COL6A1 and exon 1 of COL6A2, both of which associated with collagen VI-related dystrophies which includes a continuum of overlapping clinical phenotypes with Bethlem muscular dystrophy at the milder end, Ullrich congenital muscular dystrophy (UCMD) at the more severe end, which can be inherited in an autosomal dominant or autosomal recessive pattern (Foley et al. 2021). A similar sized 1.6 Mb loss encompassing the entire COL6A1 and COL6A2 genes has been reported in a compound heterozygous state with a smaller deletion encompassing the entire COL6A2 gene in an individual with severe Ullrich congenital muscular dystrophy (Foley et al. 2011). Another 1.09 Mb deletion encompassing the entire COL6A1 and COL6A2 genes and other adjacent genes was reported in a heterozygous state in an individual with global developmental delay and axial hypotonia with no muscular dystrophy phenotypes, as well as the asymptomatic father. This CNV has not been reported in controls. Based on the evidence, the CNV is classified as pathogenic.

Literature cited by the submitters: PubMed 21280092.